The following is an entry in ClinVar:

NM_183065.4(TMEM107):c.257-1del

Genes: TMEM107 (transmembrane protein 107; minus strand), LOC105371520 (uncharacterized LOC105371520; plus strand). Cytogenetic location: 17p13.1.
Variant type: Deletion.
Coding change: c.257-1del on transcript NM_183065.4 (MANE Select); the canonical splice acceptor site of the intron before coding-DNA position 257, one base deleted (G; older notation c.257-1delG).
Molecular consequence: splice acceptor variant. On other transcripts: intron variant (1).
Genome position (GRCh38, 1-based): chr17:8,174,617, C deleted on the plus strand (G on the coding strand, the reverse complement: TMEM107 is on the minus strand). VCF-style (leftmost placement, unchanged base first): chr17-8174616-GC-G. GRCh37 (hg19) VCF-style: chr17-8077934-GC-G.
Other names: c.156-345del (NM_001351280.2); c.257-1del (NM_001351279.2); c.275-1del (NM_001351278.2, NM_032354.5).
Identifiers: ClinVar variation 2022713 (VCV002022713.5), dbSNP rs2507717304, ClinGen allele CA2580094957.

ClinVar aggregate classification (germline): Conflicting classifications of pathogenicity. Review status: criteria provided, conflicting classifications (1 of 4 stars). 2 submissions from 2 submitters: Likely pathogenic (1); Uncertain significance (1). Last evaluated 2024-01-24.

Allele frequency attached by ClinVar (database versions not stated): gnomAD exomes below 0.00001.

Submissions (2):

Labcorp Genetics (formerly Invitae), Labcorp
Classification: Likely pathogenic. Last evaluated: 2024-01-24. Review status: criteria provided, single submitter. Criteria: Invitae Variant Classification Sherloc (09022015). Collection method: clinical testing. Allele origin: germline.
Comment: This sequence change affects a splice site in intron 3 of the TMEM107 gene. It is expected to disrupt RNA splicing. Variants that disrupt the donor or acceptor splice site typically lead to a loss of protein function (PMID: 16199547), and loss-of-function variants in TMEM107 are known to be pathogenic (PMID: 22698544, 26123494). This variant is not present in population databases (gnomAD no frequency). This variant has not been reported in the literature in individuals affected with TMEM107-related conditions. ClinVar contains an entry for this variant (Variation ID: 2022713). Experimental studies and prediction algorithms are not available or were not evaluated, and the effect of this variant on mRNA splicing is currently unknown. In summary, the currently available evidence indicates that the variant is pathogenic, but additional data are needed to prove that conclusively. Therefore, this variant has been classified as Likely Pathogenic.

Blueprint Genetics
Classification: Uncertain significance. Last evaluated: 2021-07-01. Review status: criteria provided, single submitter. Criteria: ACMG Guidelines, 2015. Collection method: clinical testing. Allele origin: germline.

Literature cited by the submitters: PubMed 16199547 (cited by Labcorp Genetics (formerly Invitae), Labcorp); PubMed 22698544 (cited by Labcorp Genetics (formerly Invitae), Labcorp); PubMed 26123494 (cited by Labcorp Genetics (formerly Invitae), Labcorp).